The following is an entry in ClinVar:

NM_001022.4(RPS19):c.25G>A (p.Val9Met)

Genes: RPS19 (ribosomal protein S19; plus strand), RPS19-CD79A (RPS19-CD79A readthrough; plus strand). Cytogenetic location: 19q13.2.
Variant type: single nucleotide variant.
Coding change: c.25G>A on transcript NM_001022.4 (MANE Select); coding-DNA position 25, G replaced by A.
Protein change: p.Val9Met; replaces valine 9 with methionine.
Molecular consequence: missense variant.
Genome position (GRCh38, 1-based): chr19:41,860,799, G>A. VCF-style: chr19-41860799-G-A. GRCh37 (hg19) VCF-style: chr19-42364869-G-A.
Other names: c.25G>A, p.Val9Met (NM_001321483.2, NM_001321484.2, NM_001321485.2); short protein forms V9M.
Identifiers: ClinVar variation 2699607 (VCV002699607.3), dbSNP rs1555839026, ClinGen allele CA406046140.

ClinVar aggregate classification (germline): Uncertain significance (1 of 4 stars; one submission).

Conditions:
Diamond-Blackfan anemia. Also called: Blackfan Diamond syndrome; Aregenerative anemia chronic congenital; Red cell aplasia, pure hereditary; Congenital hypoplastic anemia; Aase syndrome. Identifiers: Orphanet 124, MedGen C1260899, MeSH D029503, MONDO:0015253, HP:0004810.

Allele frequency attached by ClinVar (database versions not stated): gnomAD exomes below 0.00001.
gnomAD v4.1: 2 of 1,614,032 alleles (0.00012%); highest among the groups gnomAD compares: Non-Finnish European, 0.000085%; no homozygotes.

Submission:

Labcorp Genetics (formerly Invitae), Labcorp
Classification: Uncertain significance for Diamond-Blackfan anemia. Last evaluated: 2023-11-28. Review status: criteria provided, single submitter. Criteria: Invitae Variant Classification Sherloc (09022015). Collection method: clinical testing. Allele origin: germline.
Comment: This sequence change replaces valine, which is neutral and non-polar, with methionine, which is neutral and non-polar, at codon 9 of the RPS19 protein (p.Val9Met). This variant is present in population databases (no rsID available, gnomAD 0.003%). This variant has not been reported in the literature in individuals affected with RPS19-related conditions. An algorithm developed to predict the effect of missense changes on protein structure and function (PolyPhen-2) suggests that this variant is likely to be tolerated. In summary, the available evidence is currently insufficient to determine the role of this variant in disease. Therefore, it has been classified as a Variant of Uncertain Significance.